The following is an entry in ClinVar:

ClinVar aggregate classification (germline): Likely benign. Review status: criteria provided, single submitter (1 of 4 stars). 2 submissions from 2 submitters: Likely benign (1). 1 of the submissions does not count toward it. Last evaluated 2019-12-31.

Conditions:
SIN3B-related disorder. Also called: SIN3B-related condition.

Allele frequency attached by ClinVar (database versions not stated): gnomAD exomes 0.00028 and 0.00052; ExAC 0.00054; ESP Exome Variant Server 0.00069; gnomAD 0.00071 and 0.00076; TOPMed 0.00077; 1000 Genomes Project 0.00080; 1000 Genomes Project 30x 0.00109.
gnomAD v4.1: 553 of 1,613,872 alleles (0.034%); highest among the groups gnomAD compares: African/African-American, 0.16%; 4 homozygotes.

Submissions (2):

Labcorp Genetics (formerly Invitae), Labcorp
Classification: Likely benign. Last evaluated: 2019-12-31. Review status: criteria provided, single submitter. Criteria: Invitae Variant Classification Sherloc (09022015). Collection method: clinical testing. Allele origin: germline.

PreventionGenetics, part of Exact Sciences
Classification: Benign for SIN3B-related condition. Last evaluated: 2020-01-31. Review status: no assertion criteria provided. Collection method: clinical testing. Allele origin: germline. Not counted in ClinVar's aggregate classification.
Comment: This variant is classified as benign based on ACMG/AMP sequence variant interpretation guidelines (Richards et al. 2015 PMID: 25741868, with internal and published modifications).

NM_001297595.2(SIN3B):c.1266+335G>A

Gene: SIN3B (SIN3 transcription regulator family member B; plus strand). Cytogenetic location: 19p13.11.
Variant type: single nucleotide variant.
Coding change: c.1266+335G>A on transcript NM_001297595.2 (MANE Select); 335 bases into the intron after coding-DNA position 1266, G replaced by A.
Molecular consequence: intron variant. On other transcripts: nonsense (1).
Genome position (GRCh38, 1-based): chr19:16,862,894, G>A. VCF-style: chr19-16862894-G-A. GRCh37 (hg19) VCF-style: chr19-16973705-G-A.
Other names: c.1277G>A, p.Trp426Ter (NM_015260.4); short protein forms W426*.
Identifiers: ClinVar variation 709302 (VCV000709302.6), dbSNP rs144873823, ClinGen allele CA9283104.